The following is an entry in ClinVar:

NM_152703.5(SAMD9L):c.4186A>G (p.Asn1396Asp)

Gene: SAMD9L (sterile alpha motif domain containing 9 like; minus strand). Cytogenetic location: 7q21.2.
Variant type: single nucleotide variant.
Coding change: c.4186A>G on transcript NM_152703.5 (MANE Select); coding-DNA position 4186, A replaced by G.
Protein change: p.Asn1396Asp; replaces asparagine 1396 with aspartic acid.
Molecular consequence: missense variant.
Genome position (GRCh38, 1-based): chr7:93,131,786, T>C on the plus strand (A>G on the coding strand, the complement: SAMD9L is on the minus strand). VCF-style: chr7-93131786-T-C. GRCh37 (hg19) VCF-style: chr7-92761099-T-C.
Other names: c.4186A>G, p.Asn1396Asp (NM_001303496.3, NM_001303497.3, NM_001303498.3 and 5 more transcripts); c.4186A>G (NM_152703.2); short protein forms N1396D.
Identifiers: ClinVar variation 2872627 (VCV002872627.4), dbSNP rs2535405362, ClinGen allele CA368176065.

ClinVar aggregate classification (germline): Uncertain significance. Review status: criteria provided, multiple submitters, no conflicts (2 of 4 stars). 2 submissions from 2 submitters: Uncertain significance (2). Last evaluated 2025-02-14.

Conditions:
Inborn genetic diseases. Identifiers: MedGen C0950123, MeSH D030342.

Submissions (2):

Ambry Genetics
Classification: Uncertain significance for Inborn genetic diseases. Last evaluated: 2025-02-14. Review status: criteria provided, single submitter. Criteria: Ambry Variant Classification Scheme 2023. Collection method: clinical testing. Allele origin: germline.
Comment: The p.N1396D variant (also known as c.4186A>G), located in coding exon 1 of the SAMD9L gene, results from an A to G substitution at nucleotide position 4186. The asparagine at codon 1396 is replaced by aspartic acid, an amino acid with highly similar properties. This amino acid position is conserved. In addition, this alteration is predicted to be tolerated by in silico analysis. Based on the available evidence, the clinical significance of this variant remains unclear.

Labcorp Genetics (formerly Invitae), Labcorp
Classification: Uncertain significance. Last evaluated: 2022-12-15. Review status: criteria provided, single submitter. Criteria: Invitae Variant Classification Sherloc (09022015). Collection method: clinical testing. Allele origin: germline.
Comment: In summary, the available evidence is currently insufficient to determine the role of this variant in disease. Therefore, it has been classified as a Variant of Uncertain Significance. Advanced modeling of protein sequence and biophysical properties (such as structural, functional, and spatial information, amino acid conservation, physicochemical variation, residue mobility, and thermodynamic stability) performed at Invitae indicates that this missense variant is not expected to disrupt SAMD9L protein function. This variant has not been reported in the literature in individuals affected with SAMD9L-related conditions. This variant is not present in population databases (gnomAD no frequency). This sequence change replaces asparagine, which is neutral and polar, with aspartic acid, which is acidic and polar, at codon 1396 of the SAMD9L protein (p.Asn1396Asp).